The following is an entry in ClinVar:

NM_012199.5(AGO1):c.1136G>A (p.Arg379His)

Gene: AGO1 (argonaute RISC component 1; plus strand). Cytogenetic location: 1p34.3.
Variant type: single nucleotide variant.
Coding change: c.1136G>A on transcript NM_012199.5 (MANE Select); coding-DNA position 1136, G replaced by A.
Protein change: p.Arg379His; replaces arginine 379 with histidine.
Molecular consequence: missense variant.
Genome position (GRCh38, 1-based): chr1:35,901,589, G>A. VCF-style: chr1-35901589-G-A. GRCh37 (hg19) VCF-style: chr1-36367190-G-A.
Other names: c.1136G>A, p.Arg379His (NM_001317122.2); c.911G>A, p.Arg304His (NM_001317123.2); short protein forms R304H, R379H.
Identifiers: ClinVar variation 2665089 (VCV002665089.1), dbSNP rs2523867145, ClinGen allele CA339375656.

ClinVar aggregate classification (germline): Uncertain significance (1 of 4 stars; one submission).

Conditions:
Neurodevelopmental disorder with language delay and behavioral abnormalities, with or without seizures (NEDLBAS). Identifiers: MedGen C5830365, MONDO:0859531, OMIM 620292.

gnomAD v4.1: 2 of 1,614,100 alleles (0.00012%); highest among the groups gnomAD compares: East Asian, 0.0022%; no homozygotes.

Submission:

New York Genome Center
Classification: Uncertain significance for Neurodevelopmental disorder with language delay and behavioral abnormalities, with or without seizures. Last evaluated: 2023-08-18. Review status: criteria provided, single submitter. Criteria: NYGC Assertion Criteria 2020. Collection method: clinical testing. Allele origin: de novo. Observed: 1 heterozygote.
Comment: The de novo c.1136G>A p.(Arg379His) variant identified in the AGO1 gene has not previously been reported in the literature or public variant repositories (ClinVar and LOVD) and is absent from population databases (gnomAD v2.1.1 and v3.1.2, TOPMed Freeze 8), suggesting it is not a common benign variant in the populations represented in those databases. The c.1136G>A variant in AGO1 is located in exon 9 (just 4 nucleotides away from exon/intron boundary) of this 19-exon gene and predicted to replace an evolutionarily conserved arginine amino acid with histidine at position 379 in the linker 2 (L2) domain of the encoded protein. In silico predictions are inconclusive of the variant's damaging effect [REVEL = 0.342, SpliceAI score = 0.00]; however, there are no functional studies to support or refute these predictions. Based on available evidence this de novo c.1136G>A, p. (Arg379His) variant identified in AGO1 is classified as a Variant of Uncertain Significance.